The following is an entry in ClinVar:

NM_001122681.2(SH3BP2):c.1664A>G (p.Tyr555Cys)

Gene: SH3BP2 (SH3 domain binding protein 2; plus strand). Cytogenetic location: 4p16.3.
Variant type: single nucleotide variant.
Coding change: c.1664A>G on transcript NM_001122681.2 (MANE Select); coding-DNA position 1664, A replaced by G.
Protein change: p.Tyr555Cys; replaces tyrosine 555 with cysteine.
Molecular consequence: missense variant.
Genome position (GRCh38, 1-based): chr4:2,833,812, A>G. VCF-style: chr4-2833812-A-G. GRCh37 (hg19) VCF-style: chr4-2835539-A-G.
Other names: c.1748A>G, p.Tyr583Cys (NM_001145855.2); c.1835A>G, p.Tyr612Cys (NM_001145856.2); c.1664A>G, p.Tyr555Cys (NM_003023.4); short protein forms Y555C, Y612C, Y583C.
Identifiers: ClinVar variation 3672286 (VCV003672286.2).

ClinVar aggregate classification (germline): Uncertain significance (1 of 4 stars; one submission).

Conditions:
Fibrous dysplasia of jaw (CRBM). Also called: Cherubism. Identifiers: Orphanet 184, MedGen C0008029, MONDO:0007315, OMIM 118400.

gnomAD v4.1: 9 of 1,583,082 alleles (0.00057%); highest among the groups gnomAD compares: Non-Finnish European, 0.00077%; no homozygotes.

Submission:

Labcorp Genetics (formerly Invitae), Labcorp
Classification: Uncertain significance for Fibrous dysplasia of jaw. Last evaluated: 2026-01-18. Review status: criteria provided, single submitter. Criteria: Invitae Variant Classification Sherloc (09022015). Collection method: clinical testing. Allele origin: germline.
Comment: This sequence change replaces tyrosine, which is neutral and polar, with cysteine, which is neutral and slightly polar, at codon 555 of the SH3BP2 protein (p.Tyr555Cys). This variant is not present in population databases (gnomAD no frequency). This variant has not been reported in the literature in individuals affected with SH3BP2-related conditions. ClinVar contains an entry for this variant (Variation ID: 3672286). Invitae Evidence Modeling of protein sequence and biophysical properties (such as structural, functional, and spatial information, amino acid conservation, physicochemical variation, residue mobility, and thermodynamic stability) indicates that this missense variant is not expected to disrupt SH3BP2 protein function with a negative predictive value of 95%. In summary, the available evidence is currently insufficient to determine the role of this variant in disease. Therefore, it has been classified as a Variant of Uncertain Significance.